The following is an entry in ClinVar:

NM_015020.3(PHLPP2):c.981C>T (p.Leu327=)

Gene: PHLPP2 (PH domain and leucine rich repeat protein phosphatase 2; minus strand). Cytogenetic location: 16q22.2.
Variant type: single nucleotide variant.
Coding change: c.981C>T on transcript NM_015020.3 (MANE Select); coding-DNA position 981, C replaced by T.
Protein change: p.Leu327=; no amino-acid change (leucine 327 retained).
Molecular consequence: synonymous variant.
Genome position (GRCh38, 1-based): chr16:71,679,445, G>A on the plus strand (C>T on the coding strand, the complement: PHLPP2 is on the minus strand). VCF-style: chr16-71679445-G-A. GRCh37 (hg19) VCF-style: chr16-71713348-G-A.
Other names: c.981C>T, p.Leu327= (NM_001289003.1).
Identifiers: ClinVar variation 2646802 (VCV002646802.24), dbSNP rs145216542, ClinGen allele CA8155422.
Genomic context (GRCh38, chr16:71,679,445, plus strand): 5'-TTACTTTAGCAGATTGCCAATTTGACTTGGTAGGTCATGAAATCCATTACAGGAAAGGTT[G>A]AGCTCAGTCAGGGTAGAGATCTCGCATAACAATATAGGAAACAACCCAAGTTTATTATGG-3'
Protein context (NP_055835.2, residues 317-337): LLCEISTLTE[Leu327=]NLSCNGFHDL

ClinVar aggregate classification (germline): Likely benign (1 of 4 stars; one submission).

Allele frequency attached by ClinVar (database versions not stated): 1000 Genomes Project 0.00020; 1000 Genomes Project 30x 0.00031; gnomAD 0.00093; gnomAD exomes 0.00098; TOPMed 0.00122; ExAC 0.00136; ESP Exome Variant Server 0.00139.
gnomAD v4.1: 1,667 of 1,613,822 alleles (0.1%); highest among the groups gnomAD compares: Middle Eastern, 1.9%; 10 homozygotes.

Submission:

CeGaT Center for Human Genetics Tuebingen
Classification: Likely benign. Last evaluated: 2023-01-01. Review status: criteria provided, single submitter. Criteria: CeGaT Center For Human Genetics Tuebingen Variant Classification Criteria Version 2. Collection method: clinical testing. Allele origin: germline. Affected: yes. Observed: 2 variant alleles.
Comment: PHLPP2: BP4, BP7, BS2